The following is an entry in ClinVar:

ClinVar aggregate classification (germline): Likely benign. Review status: criteria provided, single submitter (1 of 4 stars). 2 submissions from 2 submitters: Likely benign (1). 1 of the submissions does not count toward it. Last evaluated 2025-10-11.

Conditions:
ABCA4-related disorder. Also called: ABCA4-related disorders; ABCA4-related condition. Identifiers: MedGen CN239167.

Allele frequency attached by ClinVar (database versions not stated): gnomAD exomes 0.00001 and 0.00002; gnomAD 0.00002; TOPMed 0.00002; ExAC 0.00008; ESP Exome Variant Server 0.00008.
gnomAD v4.1: 15 of 1,603,034 alleles (0.00094%); highest among the groups gnomAD compares: Non-Finnish European, 0.0013%; no homozygotes.

Submissions (2):

Labcorp Genetics (formerly Invitae), Labcorp
Classification: Likely benign. Last evaluated: 2025-10-11. Review status: criteria provided, single submitter. Criteria: Invitae Variant Classification Sherloc (09022015). Collection method: clinical testing. Allele origin: germline.

PreventionGenetics, part of Exact Sciences
Classification: Likely benign for ABCA4-related condition. Last evaluated: 2019-08-20. Review status: no assertion criteria provided. Collection method: clinical testing. Allele origin: germline. Not counted in ClinVar's aggregate classification.
Comment: This variant is classified as likely benign based on ACMG/AMP sequence variant interpretation guidelines (Richards et al. 2015 PMID: 25741868, with internal and published modifications).

NM_000350.3(ABCA4):c.3603G>A (p.Leu1201=)

Gene: ABCA4 (ATP binding cassette subfamily A member 4; minus strand). Cytogenetic location: 1p22.1.
Variant type: single nucleotide variant.
Coding change: c.3603G>A on transcript NM_000350.3 (MANE Select); coding-DNA position 3603, G replaced by A.
Protein change: p.Leu1201=; no amino-acid change (leucine 1201 retained).
Molecular consequence: synonymous variant.
Genome position (GRCh38, 1-based): chr1:94,040,047, C>T on the plus strand (G>A on the coding strand, the complement: ABCA4 is on the minus strand). VCF-style: chr1-94040047-C-T. GRCh37 (hg19) VCF-style: chr1-94505603-C-T.
Other names: c.3381G>A, p.Leu1127= (NM_001425324.1).
Identifiers: ClinVar variation 1133925 (VCV001133925.12), dbSNP rs368951547, ClinGen allele CA957888.